The following is an entry in ClinVar:

ClinVar aggregate classification (germline): Uncertain significance (1 of 4 stars; one submission).

Conditions:
Familial hemiplegic migraine. Identifiers: MedGen C0338484, MONDO:0000700.

Submission:

Labcorp Genetics (formerly Invitae), Labcorp
Classification: Uncertain significance for Familial hemiplegic migraine. Last evaluated: 2023-10-10. Review status: criteria provided, single submitter. Criteria: Invitae Variant Classification Sherloc (09022015). Collection method: clinical testing. Allele origin: germline.
Comment: This sequence change replaces serine, which is neutral and polar, with tyrosine, which is neutral and polar, at codon 145 of the ATP1A2 protein (p.Ser145Tyr). This variant is not present in population databases (gnomAD no frequency). This variant has not been reported in the literature in individuals affected with ATP1A2-related conditions. Advanced modeling of protein sequence and biophysical properties (such as structural, functional, and spatial information, amino acid conservation, physicochemical variation, residue mobility, and thermodynamic stability) performed at Invitae indicates that this missense variant is not expected to disrupt ATP1A2 protein function. Algorithms developed to predict the effect of sequence changes on RNA splicing suggest that this variant may disrupt the consensus splice site. In summary, the available evidence is currently insufficient to determine the role of this variant in disease. Therefore, it has been classified as a Variant of Uncertain Significance.

NM_000702.4(ATP1A2):c.434C>A (p.Ser145Tyr)

Gene: ATP1A2 (ATPase Na+/K+ transporting subunit alpha 2; plus strand). Cytogenetic location: 1q23.2.
Variant type: single nucleotide variant.
Coding change: c.434C>A on transcript NM_000702.4 (MANE Select); coding-DNA position 434, C replaced by A.
Protein change: p.Ser145Tyr; replaces serine 145 with tyrosine.
Molecular consequence: missense variant.
Genome position (GRCh38, 1-based): chr1:160,123,995, C>A. VCF-style: chr1-160123995-C-A. GRCh37 (hg19) VCF-style: chr1-160093785-C-A.
Other names: short protein forms S145Y.
Identifiers: ClinVar variation 2767445 (VCV002767445.3), dbSNP rs2524856374, ClinGen allele CA343232562.